The following is an entry in ClinVar:

NM_001290047.2(CECR2):c.2281C>T (p.Arg761Ter)

Gene: CECR2 (CECR2 histone acetyl-lysine reader; plus strand). Cytogenetic location: 22q11.21.
Variant type: single nucleotide variant.
Coding change: c.2281C>T on transcript NM_001290047.2 (MANE Select); coding-DNA position 2281, C replaced by T.
Protein change: p.Arg761Ter; replaces arginine 761 with a stop codon.
Molecular consequence: nonsense.
Genome position (GRCh38, 1-based): chr22:17,542,424, C>T. VCF-style: chr22-17542424-C-T. GRCh37 (hg19) VCF-style: chr22-18022113-C-T.
Other names: p.(Arg761*); c.1792C>T, p.Arg598Ter (NM_001290046.2); short protein forms R598*, R761*.
Identifiers: ClinVar variation 1684511 (VCV001684511.3), dbSNP rs2147031368, ClinGen allele CA410242652.

ClinVar aggregate classification (germline): Conflicting classifications of pathogenicity. Review status: criteria provided, conflicting classifications (1 of 4 stars). 2 submissions from 2 submitters: Likely pathogenic (1); Uncertain significance (1). Last evaluated 2025-07-28.

Conditions:
CECR2-related neurodevelopmental disorder.

Submissions (2):

Center for Statistical Genetics, Columbia University
Classification: Likely pathogenic for CECR2-related neurodevelopmental disorder. Last evaluated: 2025-07-28. Review status: criteria provided, single submitter. Criteria: ACMG Guidelines, 2015. Collection method: research. Allele origin: germline. Affected: yes.
Comment: de novo heterozygous variant confimed by genome sequencing

HudsonAlpha Institute for Biotechnology
Classification: Uncertain significance. Last evaluated: 2025-02-28. Review status: criteria provided, single submitter. Criteria: ACMG Guidelines, 2015. Collection method: research. Allele origin: de novo. Affected: yes. Observed: 1 variant allele. Study: HudsonAlpha-AGHI-WGS.